The following is an entry in ClinVar:

NM_001267550.2(TTN):c.102796A>T (p.Asn34266Tyr)

Genes: TTN (titin; minus strand), TTN-AS1 (TTN antisense RNA 1; plus strand). Cytogenetic location: 2q31.2.
Variant type: single nucleotide variant.
Coding change: c.102796A>T on transcript NM_001267550.2 (MANE Select); coding-DNA position 102796, A replaced by T.
Protein change: p.Asn34266Tyr; replaces asparagine 34266 with tyrosine.
Molecular consequence: missense variant.
Genome position (GRCh38, 1-based): chr2:178,533,819, T>A on the plus strand (A>T on the coding strand, the complement: TTN is on the minus strand). VCF-style: chr2-178533819-T-A. GRCh37 (hg19) VCF-style: chr2-179398546-T-A.
Other names: c.97873A>T, p.Asn32625Tyr (NM_001256850.1); c.75601A>T, p.Asn25201Tyr (NM_003319.4); c.95092A>T, p.Asn31698Tyr (NM_133378.4); c.75976A>T, p.Asn25326Tyr (NM_133432.3); c.76177A>T, p.Asn25393Tyr (NM_133437.4); short protein forms N25201Y, N25326Y, N25393Y, N31698Y, N32625Y, N34266Y.
Identifiers: ClinVar variation 3763045 (VCV003763045.3).

ClinVar aggregate classification (germline): Uncertain significance. Review status: criteria provided, multiple submitters, no conflicts (2 of 4 stars). 2 submissions from 2 submitters: Uncertain significance (2). Last evaluated 2026-04-08.

Conditions:
Autosomal recessive limb-girdle muscular dystrophy type 2J (LGMDR10). Also called: Limb-girdle muscular dystrophy, type 2J; MUSCULAR DYSTROPHY, LIMB-GIRDLE, AUTOSOMAL RECESSIVE 10. Identifiers: Orphanet 140922, MedGen C1837342, MONDO:0012127, OMIM 608807.
Dilated cardiomyopathy 1G (CMD1G). Identifiers: Orphanet 154, MedGen C1858763, MONDO:0011400, OMIM 604145.

gnomAD v4.1: 3 of 1,613,998 alleles (0.00019%); highest among the groups gnomAD compares: Non-Finnish European, 0.00025%; no homozygotes.

Submissions (2):

GeneDx
Classification: Uncertain significance. Last evaluated: 2026-04-08. Review status: criteria provided, single submitter. Criteria: GeneDx Variant Classification Process June 2021. Collection method: clinical testing. Allele origin: germline.
Comment: Not observed at significant frequency in large population cohorts (gnomAD); Missense variant in a gene in which most reported pathogenic variants are truncating/loss of function; Has not been previously published as pathogenic or benign to our knowledge

Labcorp Genetics (formerly Invitae), Labcorp
Classification: Uncertain significance for Dilated cardiomyopathy 1G; Autosomal recessive limb-girdle muscular dystrophy type 2J. Last evaluated: 2025-05-06. Review status: criteria provided, single submitter. Criteria: Invitae Variant Classification Sherloc (09022015). Collection method: clinical testing. Allele origin: germline.
Comment: This sequence change replaces asparagine, which is neutral and polar, with tyrosine, which is neutral and polar, at codon 34266 of the TTN protein (p.Asn34266Tyr). This variant is not present in population databases (gnomAD no frequency). This variant has not been reported in the literature in individuals affected with TTN-related conditions. ClinVar contains an entry for this variant (Variation ID: 3763045). Experimental studies and prediction algorithms are not available or were not evaluated, and the functional significance of this variant is currently unknown. This variant is located in the M band of TTN (PMID: 25589632). Non-truncating variants in this region may be relevant for neuromuscular disorders, but have not been definitively shown to cause cardiomyopathy (PMID: 23975875). In summary, the available evidence is currently insufficient to determine the role of this variant in disease. Therefore, it has been classified as a Variant of Uncertain Significance.

Literature cited by the submitters: PubMed 25589632 (cited by Labcorp Genetics (formerly Invitae), Labcorp); PubMed 23975875 (cited by Labcorp Genetics (formerly Invitae), Labcorp).